The following is an entry in ClinVar:

NM_020297.4(ABCC9):c.3948T>A (p.Asp1316Glu)

Genes: ABCC9 (ATP binding cassette subfamily C member 9; minus strand), KCNJ8-AS1 (KCNJ8 antisense RNA 1; plus strand). Cytogenetic location: 12p12.1.
Variant type: single nucleotide variant.
Coding change: c.3948T>A on transcript NM_020297.4 (MANE Select); coding-DNA position 3948, T replaced by A.
Protein change: p.Asp1316Glu; replaces aspartic acid 1316 with glutamic acid.
Molecular consequence: missense variant.
Genome position (GRCh38, 1-based): chr12:21,815,838, A>T on the plus strand (T>A on the coding strand, the complement: ABCC9 is on the minus strand). VCF-style: chr12-21815838-A-T. GRCh37 (hg19) VCF-style: chr12-21968772-A-T.
Other names: c.3948T>A, p.Asp1316Glu (NM_001377273.1, NM_005691.4); c.3081T>A, p.Asp1027Glu (NM_001377274.1); short protein forms D1316E, D1027E.
Identifiers: ClinVar variation 3691207 (VCV003691207.2).
Genomic context (GRCh38, chr12:21,815,838, plus strand): 5'-GATGTAAGCCTTGACGTGCTTAAGAACAGGTTTCAGATTATTTTCATATCTGACACACAG[A>T]TCATGTATCTTGATCTCCCCTTCTTGTGGCCAATGTTCTGGAACTTGAGAAGGATCTGGA-3'
Protein context (NP_064693.2, residues 1306-1326): WPQEGEIKIH[Asp1316Glu]LCVRYENNLK

ClinVar aggregate classification (germline): Uncertain significance (1 of 4 stars; one submission).

Conditions:
Dilated cardiomyopathy 1O (CMD1O). Also called: CARDIOMYOPATHY, DILATED, WITH VENTRICULAR TACHYCARDIA. Identifiers: Orphanet 154, MedGen C1837839, MONDO:0012062, OMIM 608569.

gnomAD v4.1: 1 of 1,613,520 alleles (0.000062%); highest among the groups gnomAD compares: Non-Finnish European, 0.000085%; no homozygotes.

Submission:

Labcorp Genetics (formerly Invitae), Labcorp
Classification: Uncertain significance for Dilated cardiomyopathy 1O. Last evaluated: 2024-10-30. Review status: criteria provided, single submitter. Criteria: Invitae Variant Classification Sherloc (09022015). Collection method: clinical testing. Allele origin: germline.
Comment: This sequence change replaces aspartic acid, which is acidic and polar, with glutamic acid, which is acidic and polar, at codon 1316 of the ABCC9 protein (p.Asp1316Glu). This variant is not present in population databases (gnomAD no frequency). This variant has not been reported in the literature in individuals affected with ABCC9-related conditions. Invitae Evidence Modeling of protein sequence and biophysical properties (such as structural, functional, and spatial information, amino acid conservation, physicochemical variation, residue mobility, and thermodynamic stability) indicates that this missense variant is not expected to disrupt ABCC9 protein function with a negative predictive value of 95%. In summary, the available evidence is currently insufficient to determine the role of this variant in disease. Therefore, it has been classified as a Variant of Uncertain Significance.